The following is an entry in ClinVar:

NM_001355436.2(SPTB):c.2804G>A (p.Arg935Lys)

Gene: SPTB (spectrin beta, erythrocytic; minus strand). Cytogenetic location: 14q23.3.
Variant type: single nucleotide variant.
Coding change: c.2804G>A on transcript NM_001355436.2 (MANE Select); coding-DNA position 2804, G replaced by A.
Protein change: p.Arg935Lys; replaces arginine 935 with lysine.
Molecular consequence: missense variant.
Genome position (GRCh38, 1-based): chr14:64,791,719, C>T on the plus strand (G>A on the coding strand, the complement: SPTB is on the minus strand). VCF-style: chr14-64791719-C-T. GRCh37 (hg19) VCF-style: chr14-65258437-C-T.
Other names: NM_000347.5:c.2804G>A; c.2804G>A, p.Arg935Lys (NM_001024858.4, NM_001355437.2); short protein forms R935K.
Identifiers: ClinVar variation 1309338 (VCV001309338.2), dbSNP rs2139587234, ClinGen allele CA390015325.

ClinVar aggregate classification (germline): Uncertain significance (1 of 4 stars; one submission).

Submission:

GeneDx
Classification: Uncertain significance. Last evaluated: 2019-10-31. Review status: criteria provided, single submitter. Criteria: GeneDx Variant Classification Process June 2021. Collection method: clinical testing. Allele origin: germline. Affected: yes.
Comment: Has not been previously published as pathogenic or benign to our knowledge; Not observed in large population cohorts (Lek et al., 2016); In silico analysis, which includes splice predictors, supports a deleterious effect; In silico analysis, which includes protein predictors and evolutionary conservation, supports that this variant does not alter protein structure/function